The following is an entry in ClinVar:

NM_001114753.3(ENG):c.1685A>C (p.Gln562Pro)

Genes: ENG (endoglin; minus strand), LOC102723566 (uncharacterized LOC102723566; plus strand). Cytogenetic location: 9q34.11.
Variant type: single nucleotide variant.
Coding change: c.1685A>C on transcript NM_001114753.3 (MANE Select); coding-DNA position 1685, A replaced by C.
Protein change: p.Gln562Pro; replaces glutamine 562 with proline.
Molecular consequence: missense variant.
Genome position (GRCh38, 1-based): chr9:127,818,121, T>G on the plus strand (A>C on the coding strand, the complement: ENG is on the minus strand). VCF-style: chr9-127818121-T-G. GRCh37 (hg19) VCF-style: chr9-130580400-T-G.
Other names: c.1685A>C, p.Gln562Pro (NM_000118.4); c.1139A>C, p.Gln380Pro (NM_001278138.2); short protein forms Q380P, Q562P.
Identifiers: ClinVar variation 2711894 (VCV002711894.3), dbSNP rs2539059072, ClinGen allele CA374973978.

ClinVar aggregate classification (germline): Uncertain significance (1 of 4 stars; one submission).

Conditions:
Hereditary hemorrhagic telangiectasia (HHT). Also called: ORW DISEASE; Osler Weber Rendu syndrome; OSLER-RENDU-WEBER DISEASE; Osler hemorrhagic telangiectasia syndrome. Identifiers: Orphanet 774, MedGen C0039445, MONDO:0019180. Disease mechanism: loss of function.

Submission:

Labcorp Genetics (formerly Invitae), Labcorp
Classification: Uncertain significance for Hereditary hemorrhagic telangiectasia. Last evaluated: 2023-06-11. Review status: criteria provided, single submitter. Criteria: Invitae Variant Classification Sherloc (09022015). Collection method: clinical testing. Allele origin: germline.
Comment: This variant is not present in population databases (gnomAD no frequency). In summary, the available evidence is currently insufficient to determine the role of this variant in disease. Therefore, it has been classified as a Variant of Uncertain Significance. Algorithms developed to predict the effect of missense changes on protein structure and function output the following: SIFT: "Not Available"; PolyPhen-2: "Benign"; Align-GVGD: "Not Available". The proline amino acid residue is found in multiple mammalian species, which suggests that this missense change does not adversely affect protein function. This variant has not been reported in the literature in individuals affected with ENG-related conditions. This sequence change replaces glutamine, which is neutral and polar, with proline, which is neutral and non-polar, at codon 562 of the ENG protein (p.Gln562Pro).